The following is an entry in ClinVar:

NM_005026.5(PIK3CD):c.2426+102C>T

Gene: PIK3CD (phosphatidylinositol-4,5-bisphosphate 3-kinase catalytic subunit delta; plus strand). Cytogenetic location: 1p36.22.
Variant type: single nucleotide variant.
Coding change: c.2426+102C>T on transcript NM_005026.5 (MANE Select); 102 bases into the intron after coding-DNA position 2426, C replaced by T.
Molecular consequence: intron variant.
Genome position (GRCh38, 1-based): chr1:9,722,708, C>T. VCF-style: chr1-9722708-C-T. GRCh37 (hg19) VCF-style: chr1-9782766-C-T.
Other names: c.2423+102C>T (NM_001350234.2); c.2339+102C>T (NM_001350235.1).
Identifiers: ClinVar variation 1239693 (VCV001239693.6), dbSNP rs10864435, ClinGen allele CA10714748.

ClinVar aggregate classification (germline): Benign. Review status: criteria provided, multiple submitters, no conflicts (2 of 4 stars). 3 submissions from 3 submitters: Benign (3). Last evaluated 2023-11-12.

Allele frequency attached by ClinVar (database versions not stated): gnomAD exomes 0.11360; gnomAD 0.15738 and 0.16117; TOPMed 0.16984; 1000 Genomes Project 0.23423; 1000 Genomes Project 30x 0.23766.
gnomAD v4.1: 123,135 of 1,018,670 alleles (12%); highest among the groups gnomAD compares: South Asian, 33%; 11,860 homozygotes.

Submissions (3):

Unidad de Genómica Garrahan, Hospital de Pediatría Garrahan
Classification: Benign. Last evaluated: 2023-11-12. Review status: criteria provided, single submitter. Criteria: ACMG Guidelines, 2015. Collection method: clinical testing. Allele origin: germline. Affected: no. Observed: 25 variant alleles.
Comment: This variant is classified as Benign based on local population frequency. This variant was detected in 26% of patients studied by a panel of primary immunodeficiencies. Number of patients: 25. Only high quality variants are reported.

GeneDx
Classification: Benign. Last evaluated: 2018-11-12. Review status: criteria provided, single submitter. Criteria: GeneDx Variant Classification Process June 2021. Collection method: clinical testing. Allele origin: germline. Affected: yes.

Breakthrough Genomics
Classification: Benign. Review status: criteria provided, single submitter. Criteria: ACMG Guidelines, 2015. Collection method: not provided. Allele origin: germline. Inheritance: Autosomal recessive inheritance. Affected: yes.